The following is an entry in ClinVar:

NM_001267550.2(TTN):c.72104T>G (p.Phe24035Cys)

Genes: TTN (titin; minus strand), TTN-AS1 (TTN antisense RNA 1; plus strand). Cytogenetic location: 2q31.2.
Variant type: single nucleotide variant.
Coding change: c.72104T>G on transcript NM_001267550.2 (MANE Select); coding-DNA position 72104, T replaced by G.
Protein change: p.Phe24035Cys; replaces phenylalanine 24035 with cysteine.
Molecular consequence: missense variant.
Genome position (GRCh38, 1-based): chr2:178,574,028, A>C on the plus strand (T>G on the coding strand, the complement: TTN is on the minus strand). VCF-style: chr2-178574028-A-C. GRCh37 (hg19) VCF-style: chr2-179438755-A-C.
Other names: c.67181T>G, p.Phe22394Cys (NM_001256850.1); c.44909T>G, p.Phe14970Cys (NM_003319.4); c.64400T>G, p.Phe21467Cys (NM_133378.4); c.45284T>G, p.Phe15095Cys (NM_133432.3); c.45485T>G, p.Phe15162Cys (NM_133437.4); short protein forms F14970C, F15095C, F15162C, F21467C, F22394C, F24035C.
Identifiers: ClinVar variation 1284315 (VCV001284315.12), dbSNP rs759861907, ClinGen allele CA349648541.

ClinVar aggregate classification (germline): Conflicting classifications of pathogenicity. Review status: criteria provided, conflicting classifications (1 of 4 stars). 5 submissions from 5 submitters: Uncertain significance (2); Likely benign (1). 2 of the submissions do not count toward it. Last evaluated 2025-12-01.

gnomAD v4.1: 8 of 1,613,432 alleles (0.0005%); highest among the groups gnomAD compares: Non-Finnish European, 0.00068%; no homozygotes.

Submissions (5):

CeGaT Center for Human Genetics Tuebingen
Classification: Uncertain significance. Last evaluated: 2025-12-01. Review status: criteria provided, single submitter. Criteria: CeGaT Center For Human Genetics Tuebingen Variant Classification Criteria Version 2. Collection method: clinical testing. Allele origin: germline. Affected: yes. Observed: 1 variant allele.
Comment: TTN: PM2

Revvity Omics, Revvity
Classification: Uncertain significance. Last evaluated: 2023-06-14. Review status: criteria provided, single submitter. Criteria: ACMG Guidelines, 2015. Collection method: clinical testing. Allele origin: germline.

Blueprint Genetics
Classification: Likely benign. Last evaluated: 2021-07-09. Review status: criteria provided, single submitter. Criteria: ACMG Guidelines, 2015. Collection method: clinical testing. Allele origin: germline.

Clinical Genetics, Academic Medical Center
Classification: Uncertain significance. Review status: no assertion criteria provided. Collection method: clinical testing. Allele origin: germline. Affected: yes. Study: VKGL Data-share Consensus. Not counted in ClinVar's aggregate classification.

Diagnostic Laboratory, Department of Genetics, University Medical Center Groningen
Classification: Uncertain significance. Review status: no assertion criteria provided. Collection method: clinical testing. Allele origin: germline. Affected: yes. Study: VKGL Data-share Consensus. Not counted in ClinVar's aggregate classification.